The following is an entry in ClinVar:

NM_000245.4(MET):c.602T>C (p.Ile201Thr)

Gene: MET (MET proto-oncogene, receptor tyrosine kinase; plus strand). Cytogenetic location: 7q31.2.
Variant type: single nucleotide variant.
Coding change: c.602T>C on transcript NM_000245.4 (MANE Select); coding-DNA position 602, T replaced by C.
Protein change: p.Ile201Thr; replaces isoleucine 201 with threonine.
Molecular consequence: missense variant. On other transcripts: intron variant (1).
Genome position (GRCh38, 1-based): chr7:116,699,686, T>C. VCF-style: chr7-116699686-T-C. GRCh37 (hg19) VCF-style: chr7-116339740-T-C.
Other names: c.602T>C, p.Ile201Thr (NM_001127500.3, NM_001324401.3); c.-91+27109T>C (NM_001324402.2); short protein forms I201T.
Identifiers: ClinVar variation 1442009 (VCV001442009.8), dbSNP rs2116593025, ClinGen allele CA368969438.

ClinVar aggregate classification (germline): Uncertain significance (1 of 4 stars; one submission).

Conditions:
Renal cell carcinoma. Identifiers: Orphanet 217071, MedGen C0007134, MeSH D002292, MONDO:0005086, HP:0005584.

Submission:

Labcorp Genetics (formerly Invitae), Labcorp
Classification: Uncertain significance for Renal cell carcinoma. Last evaluated: 2021-04-23. Review status: criteria provided, single submitter. Criteria: Invitae Variant Classification Sherloc (09022015). Collection method: clinical testing. Allele origin: germline.
Comment: In summary, the available evidence is currently insufficient to determine the role of this variant in disease. Therefore, it has been classified as a Variant of Uncertain Significance. Algorithms developed to predict the effect of missense changes on protein structure and function (SIFT, PolyPhen-2, Align-GVGD) all suggest that this variant is likely to be tolerated, but these predictions have not been confirmed by published functional studies and their clinical significance is uncertain. This variant has not been reported in the literature in individuals with MET-related conditions. This variant is not present in population databases (ExAC no frequency). This sequence change replaces isoleucine with threonine at codon 201 of the MET protein (p.Ile201Thr). The isoleucine residue is weakly conserved and there is a moderate physicochemical difference between isoleucine and threonine.